The following is an entry in ClinVar:

NM_020638.3(FGF23):c.637G>A (p.Ala213Thr)

Gene: FGF23 (fibroblast growth factor 23; minus strand). Cytogenetic location: 12p13.32.
Variant type: single nucleotide variant.
Coding change: c.637G>A on transcript NM_020638.3 (MANE Select); coding-DNA position 637, G replaced by A.
Protein change: p.Ala213Thr; replaces alanine 213 with threonine.
Molecular consequence: missense variant.
Genome position (GRCh38, 1-based): chr12:4,370,462, C>T on the plus strand (G>A on the coding strand, the complement: FGF23 is on the minus strand). VCF-style: chr12-4370462-C-T. GRCh37 (hg19) VCF-style: chr12-4479628-C-T.
Other names: short protein forms A213T.
Identifiers: ClinVar variation 2957771 (VCV002957771.4), dbSNP rs371244880, ClinGen allele CA6395631.

ClinVar aggregate classification (germline): Uncertain significance. Review status: criteria provided, multiple submitters, no conflicts (2 of 4 stars). 2 submissions from 2 submitters: Uncertain significance (2). Last evaluated 2025-04-17.

Conditions:
Tumoral calcinosis, hyperphosphatemic, familial, 2. Identifiers: MedGen C4693863, MONDO:0060714, OMIM 617993.
Autosomal dominant hypophosphatemic rickets (ADHR). Also called: VITAMIN D-RESISTANT RICKETS, AUTOSOMAL DOMINANT; HYPOPHOSPHATEMIA, AUTOSOMAL DOMINANT. Identifiers: Orphanet 89937, MedGen C0342642, MONDO:0008660, OMIM 193100.

Allele frequency attached by ClinVar (database versions not stated): TOPMed 0.00002; ExAC 0.00003; gnomAD 0.00003; gnomAD exomes 0.00003; ESP Exome Variant Server 0.00008.
gnomAD v4.1: 50 of 1,612,946 alleles (0.0031%); highest among the groups gnomAD compares: Non-Finnish European, 0.0032%; 1 homozygote.

Submissions (2):

Labcorp Genetics (formerly Invitae), Labcorp
Classification: Uncertain significance. Last evaluated: 2025-04-17. Review status: criteria provided, single submitter. Criteria: Invitae Variant Classification Sherloc (09022015). Collection method: clinical testing. Allele origin: germline.
Comment: This sequence change replaces alanine, which is neutral and non-polar, with threonine, which is neutral and polar, at codon 213 of the FGF23 protein (p.Ala213Thr). This variant is present in population databases (rs371244880, gnomAD 0.01%). This variant has not been reported in the literature in individuals affected with FGF23-related conditions. ClinVar contains an entry for this variant (Variation ID: 2957771). Invitae Evidence Modeling of protein sequence and biophysical properties (such as structural, functional, and spatial information, amino acid conservation, physicochemical variation, residue mobility, and thermodynamic stability) has been performed for this missense variant. However, the output from this modeling did not meet the statistical confidence thresholds required to predict the impact of this variant on FGF23 protein function. In summary, the available evidence is currently insufficient to determine the role of this variant in disease. Therefore, it has been classified as a Variant of Uncertain Significance.

Fulgent Genetics
Classification: Uncertain significance for Autosomal dominant hypophosphatemic rickets; Tumoral calcinosis, hyperphosphatemic, familial, 2. Last evaluated: 2024-01-03. Review status: criteria provided, single submitter. Criteria: ACMG Guidelines, 2015. Collection method: clinical testing. Allele origin: germline.